The following is an entry in ClinVar:

ClinVar aggregate classification (germline): Uncertain significance (1 of 4 stars; one submission).

Allele frequency attached by ClinVar (database versions not stated): gnomAD 0.00001; TOPMed 0.00001.
gnomAD v4.1: 2 of 1,585,744 alleles (0.00013%); highest among the groups gnomAD compares: African/African-American, 0.0027%; no homozygotes.

Submission:

Labcorp Genetics (formerly Invitae), Labcorp
Classification: Uncertain significance. Last evaluated: 2022-12-14. Review status: criteria provided, single submitter. Criteria: Invitae Variant Classification Sherloc (09022015). Collection method: clinical testing. Allele origin: germline.
Comment: In summary, the available evidence is currently insufficient to determine the role of this variant in disease. Therefore, it has been classified as a Variant of Uncertain Significance. Advanced modeling of protein sequence and biophysical properties (such as structural, functional, and spatial information, amino acid conservation, physicochemical variation, residue mobility, and thermodynamic stability) has been performed at Invitae for this missense variant, however the output from this modeling did not meet the statistical confidence thresholds required to predict the impact of this variant on CACNA1E protein function. This variant has not been reported in the literature in individuals affected with CACNA1E-related conditions. This variant is present in population databases (no rsID available, gnomAD 0.01%). This sequence change replaces threonine, which is neutral and polar, with alanine, which is neutral and non-polar, at codon 1762 of the CACNA1E protein (p.Thr1762Ala).

NM_001205293.3(CACNA1E):c.5284A>G (p.Thr1762Ala)

Gene: CACNA1E (calcium voltage-gated channel subunit alpha1 E; plus strand). Cytogenetic location: 1q25.3.
Variant type: single nucleotide variant.
Coding change: c.5284A>G on transcript NM_001205293.3 (MANE Select); coding-DNA position 5284, A replaced by G.
Protein change: p.Thr1762Ala; replaces threonine 1762 with alanine.
Molecular consequence: missense variant.
Genome position (GRCh38, 1-based): chr1:181,781,443, A>G. VCF-style: chr1-181781443-A-G. GRCh37 (hg19) VCF-style: chr1-181750579-A-G.
Other names: c.5284A>G, p.Thr1762Ala (NM_000721.4); c.5227A>G, p.Thr1743Ala (NM_001205294.2); short protein forms T1743A, T1762A.
Identifiers: ClinVar variation 2820777 (VCV002820777.3), dbSNP rs1176974204, ClinGen allele CA343630099.